The following is an entry in ClinVar:

NM_004444.5(EPHB4):c.1298-3C>T

Gene: EPHB4 (EPH receptor B4; minus strand). Cytogenetic location: 7q22.1.
Variant type: single nucleotide variant.
Coding change: c.1298-3C>T on transcript NM_004444.5 (MANE Select); 3 bases into the intron before coding-DNA position 1298, C replaced by T.
Molecular consequence: intron variant.
Genome position (GRCh38, 1-based): chr7:100,818,647, G>A on the plus strand (C>T on the coding strand, the complement: EPHB4 is on the minus strand). VCF-style: chr7-100818647-G-A. GRCh37 (hg19) VCF-style: chr7-100416269-G-A.
Identifiers: ClinVar variation 4690518 (VCV004690518.1).
Genomic context (GRCh38, chr7:100,818,647, plus strand): 5'-AGGCTCAAGCTGCTGGGTGAGGACCGCGTCACCCGGATGTCAGACACTGCAGGAGGTACT[G>A]TGAGAGGCAGAGACACAGGGAACCCTTGTGCATGGTAGCTCTGTCCCTTAACTTAAAAAA-3'

ClinVar aggregate classification (germline): Uncertain significance (1 of 4 stars; one submission).

gnomAD v4.1: 2 of 1,607,288 alleles (0.00012%); highest among the groups gnomAD compares: African/African-American, 0.0013%; no homozygotes.

Submission:

Labcorp Genetics (formerly Invitae), Labcorp
Classification: Uncertain significance. Last evaluated: 2026-01-25. Review status: criteria provided, single submitter. Criteria: Invitae Variant Classification Sherloc (09022015). Collection method: clinical testing. Allele origin: germline.
Comment: This sequence change falls in intron 6 of the EPHB4 gene. It does not directly change the encoded amino acid sequence of the EPHB4 protein. It affects a nucleotide within the consensus splice site. This variant is not present in population databases (gnomAD no frequency). This variant has not been reported in the literature in individuals affected with EPHB4-related conditions. Variants that disrupt the consensus splice site are a relatively common cause of aberrant splicing (PMID: 17576681, 9536098). Algorithms developed to predict the effect of sequence changes on RNA splicing suggest that this variant is not likely to affect RNA splicing. In summary, the available evidence is currently insufficient to determine the role of this variant in disease. Therefore, it has been classified as a Variant of Uncertain Significance.

Literature cited by the submitters: PubMed 17576681; PubMed 9536098.